The following is an entry in ClinVar:

ClinVar aggregate classification (germline): Likely benign (0 of 4 stars; one submission).

Conditions:
PCSK5-related disorder. Also called: PCSK5-related condition.

Allele frequency attached by ClinVar (database versions not stated): 1000 Genomes Project 0.00040; 1000 Genomes Project 30x 0.00078; TOPMed 0.00345; gnomAD 0.00351; ExAC 0.00514; gnomAD exomes 0.00582.
gnomAD v4.1: 8,983 of 1,601,202 alleles (0.56%); highest among the groups gnomAD compares: Non-Finnish European, 0.68%; 33 homozygotes.

Submission:

PreventionGenetics, part of Exact Sciences
Classification: Likely benign for PCSK5-related condition. Last evaluated: 2023-05-18. Review status: no assertion criteria provided. Collection method: clinical testing. Allele origin: germline.
Comment: This variant is classified as likely benign based on ACMG/AMP sequence variant interpretation guidelines (Richards et al. 2015 PMID: 25741868, with internal and published modifications).

NM_001372043.1(PCSK5):c.4723G>A (p.Glu1575Lys)

Gene: PCSK5 (proprotein convertase subtilisin/kexin type 5; plus strand). Cytogenetic location: 9q21.13.
Variant type: single nucleotide variant.
Coding change: c.4723G>A on transcript NM_001372043.1 (MANE Select); coding-DNA position 4723, G replaced by A.
Protein change: p.Glu1575Lys; replaces glutamic acid 1575 with lysine.
Molecular consequence: missense variant.
Genome position (GRCh38, 1-based): chr9:76,332,585, G>A. VCF-style: chr9-76332585-G-A. GRCh37 (hg19) VCF-style: chr9-78947501-G-A.
Other names: c.4642G>A, p.Glu1548Lys (NM_001190482.2); short protein forms E1548K, E1575K.
Identifiers: ClinVar variation 3043924 (VCV003043924.2), dbSNP rs201074605, ClinGen allele CA5087986.